The following is an entry in ClinVar:

ClinVar aggregate classification (germline): Uncertain significance (0 of 4 stars; one submission).

Conditions:
DZIP1L-related disorder. Also called: DZIP1L-related condition.

gnomAD v4.1: 1 of 1,610,996 alleles (0.000062%); highest among the groups gnomAD compares: Non-Finnish European, 0.000085%; no homozygotes.

Submission:

PreventionGenetics, part of Exact Sciences
Classification: Uncertain significance for DZIP1L-related condition. Last evaluated: 2024-03-20. Review status: no assertion criteria provided. Collection method: clinical testing. Allele origin: germline.
Comment: The DZIP1L c.580G>C variant is predicted to result in the amino acid substitution p.Glu194Gln. To our knowledge, this variant has not been reported in the literature. This variant is reported in 0.00092% of alleles in individuals of European (Non-Finnish) descent in gnomAD. At this time, the clinical significance of this variant is uncertain due to the absence of conclusive functional and genetic evidence.

NM_173543.3(DZIP1L):c.580G>C (p.Glu194Gln)

Gene: DZIP1L (DAZ interacting zinc finger protein 1 like; minus strand). Cytogenetic location: 3q22.3.
Variant type: single nucleotide variant.
Coding change: c.580G>C on transcript NM_173543.3 (MANE Select); coding-DNA position 580, G replaced by C.
Protein change: p.Glu194Gln; replaces glutamic acid 194 with glutamine.
Molecular consequence: missense variant.
Genome position (GRCh38, 1-based): chr3:138,097,769, C>G on the plus strand (G>C on the coding strand, the complement: DZIP1L is on the minus strand). VCF-style: chr3-138097769-C-G. GRCh37 (hg19) VCF-style: chr3-137816611-C-G.
Other names: c.580G>C, p.Glu194Gln (NM_001170538.1); short protein forms E194Q.
Identifiers: ClinVar variation 3350107 (VCV003350107.1).
Genomic context (GRCh38, chr3:138,097,769, plus strand): 5'-GCCCCAGCCCTTTCCACAGTCCCAGAAGGGGCCCGGGCTGCTGTCTGGACTCACCACCTT[C>G]TGCCACGCCTGCATGCCTGCGCTGGATGTGGCCCCGGAGAAAGGTGGCATTCATGAATGT-3'
Protein context (NP_775814.2, residues 184-204): HIQRRHAGVA[Glu194Gln]GGKQKKQEQP